The following is an entry in ClinVar:

ClinVar aggregate classification (germline): Likely benign (1 of 4 stars; one submission).

Allele frequency attached by ClinVar (database versions not stated): gnomAD exomes 0.00014; gnomAD 0.00016; TOPMed 0.00016; ExAC 0.00017; ESP Exome Variant Server 0.00019.
gnomAD v4.1: 179 of 1,209,870 alleles (0.015%); highest among the groups gnomAD compares: Middle Eastern, 0.023%; 2 homozygotes.

Submission:

CeGaT Center for Human Genetics Tuebingen
Classification: Likely benign. Last evaluated: 2023-02-01. Review status: criteria provided, single submitter. Criteria: CeGaT Center For Human Genetics Tuebingen Variant Classification Criteria Version 2. Collection method: clinical testing. Allele origin: germline. Affected: yes. Observed: 1 variant allele.
Comment: MAGEA4: BP4, BP7, BS2

NM_001011548.1(MAGEA4):c.288A>G (p.Pro96=)

Gene: MAGEA4 (MAGE family member A4; plus strand). Cytogenetic location: Xq28.
Variant type: single nucleotide variant.
Coding change: c.288A>G on transcript NM_001011548.1 (MANE Select); coding-DNA position 288, A replaced by G.
Protein change: p.Pro96=; no amino-acid change (proline 96 retained).
Molecular consequence: synonymous variant.
Genome position (GRCh38, 1-based): chrX:151,923,952, A>G. VCF-style: chrX-151923952-A-G. GRCh37 (hg19) VCF-style: chrX-151092424-A-G.
Other names: c.288A>G, p.Pro96= (NM_001011549.1, NM_001011550.1, NM_001386196.1 and 8 more transcripts).
Identifiers: ClinVar variation 2661656 (VCV002661656.24), dbSNP rs201418399, ClinGen allele CA10542165.